The following is an entry in ClinVar:

NM_004999.4(MYO6):c.2608C>T (p.Gln870Ter)

Gene: MYO6 (myosin VI; plus strand). Cytogenetic location: 6q14.1.
Variant type: single nucleotide variant.
Coding change: c.2608C>T on transcript NM_004999.4 (MANE Select); coding-DNA position 2608, C replaced by T.
Protein change: p.Gln870Ter; replaces glutamine 870 with a stop codon.
Molecular consequence: nonsense. On other transcripts: non-coding transcript variant (1).
Genome position (GRCh38, 1-based): chr6:75,886,944, C>T. VCF-style: chr6-75886944-C-T. GRCh37 (hg19) VCF-style: chr6-76596661-C-T.
Other names: c.2608C>T (NM_004999.3); c.2608C>T, p.Gln870Ter (NM_001300899.2, NM_001368136.1, NM_001368137.1 and 2 more transcripts); c.2593C>T, p.Gln865Ter (NM_001368138.1); short protein forms Q870*, Q865*.
Identifiers: ClinVar variation 4893078 (VCV004893078.2).

ClinVar aggregate classification (germline): Likely pathogenic. Review status: criteria provided, multiple submitters, no conflicts (2 of 4 stars). 2 submissions from 2 submitters: Likely pathogenic (2). Last evaluated 2025-10-28.

Conditions:
MYO6-related disorder. Also called: MYO6-related condition; MYO6-related disorders.

gnomAD v4.1: 2 of 1,613,672 alleles (0.00012%); no homozygotes.

Submissions (2):

PreventionGenetics, part of Exact Sciences
Classification: Likely pathogenic for MYO6-related condition. Last evaluated: 2025-10-28. Review status: criteria provided, single submitter. Criteria: ACMG Guidelines, 2015. Collection method: clinical testing. Allele origin: germline.
Comment: The MYO6 c.2608C>T variant is predicted to result in premature protein termination (p.Gln870*). To our knowledge, this variant has not been reported in the literature. This variant is reported in 0.0099% of alleles in individuals of Ashkenazi Jewish descent in gnomAD. Nonsense variants in MYO6 are expected to be pathogenic. This variant is interpreted as likely pathogenic.

Blueprint Genetics
Classification: Likely pathogenic for MYO6-related disorders. Last evaluated: 2019-09-10. Review status: criteria provided, single submitter. Criteria: ACMG Guidelines, 2015. Collection method: clinical testing. Allele origin: germline. Affected: yes. Observed: 1 variant allele.